The following is an entry in ClinVar:

ClinVar aggregate classification (germline): Pathogenic. Review status: reviewed by expert panel (3 of 4 stars). 2 submissions from 2 submitters: Pathogenic (1). 1 of the submissions does not count toward it. Last evaluated 2017-12-15.

Conditions:
Hereditary breast ovarian cancer syndrome. Also called: Hereditary breast and ovarian cancer syndrome (HBOC); BRCA1- and BRCA2-Associated Hereditary Breast and Ovarian Cancer; Hereditary breast and/or ovarian cancer syndrome; Hereditary breast and ovarian cancer syndrome; Hereditary breast and ovarian cancer; Breast and ovarian cancer. Identifiers: Orphanet 145, MedGen C0677776, MeSH D061325, MONDO:0003582. Disease mechanism: loss of function.
Breast-ovarian cancer, familial, susceptibility to, 1 (BROVCA1). Also called: BRCA1 Hereditary Breast and Ovarian Cancer; OVARIAN CANCER, SUSCEPTIBILITY TO. Identifiers: Orphanet 145, MedGen C2676676, MONDO:0011450, OMIM 604370. Disease mechanism: loss of function.

Submissions (2):

Evidence-based Network for the Interpretation of Germline Mutant Alleles (ENIGMA)
Classification: Pathogenic for Breast-ovarian cancer, familial, susceptibility to, 1. Last evaluated: 2017-12-15. Review status: reviewed by expert panel. Criteria: ENIGMA BRCA1/2 Classification Criteria (2017-06-29). Collection method: curation. Allele origin: germline. Study: ENIGMA.
Comment: Variant allele predicted to encode a truncated non-functional protein.

Research Molecular Genetics Laboratory, Women's College Hospital, University of Toronto
Classification: Pathogenic for Hereditary breast ovarian cancer syndrome. Last evaluated: 2014-01-31. Review status: no assertion criteria provided. Collection method: research. Allele origin: germline. Affected: yes. Study: The Canadian Open Genetics Repository (COGR). Not counted in ClinVar's aggregate classification.

NM_007294.4(BRCA1):c.1780del (p.Met594fs)

Gene: BRCA1 (BRCA1 DNA repair associated; minus strand). Cytogenetic location: 17q21.31.
Variant type: Deletion.
Coding change: c.1780del on transcript NM_007294.4 (MANE Select); coding-DNA position 1780, one base deleted (A; older notation c.1780delA).
Protein change: p.Met594fs; shifts the reading frame from methionine 594.
Molecular consequence: frameshift variant. On other transcripts: intron variant (137).
Genome position (GRCh38, 1-based): chr17:43,093,751, T deleted on the plus strand (A on the coding strand, the reverse complement: BRCA1 is on the minus strand). VCF-style (leftmost placement, unchanged base first): chr17-43093750-AT-A. GRCh37 (hg19) VCF-style: chr17-41245767-AT-A.
Other names: c.1567del, p.Met523fs (NM_001407571.1, NM_001407853.1, NM_001407894.1 and 9 more transcripts); c.1780del, p.Met594fs (NM_001407581.1, NM_001407582.1, NM_001407583.1 and 30 more transcripts); c.1777del, p.Met593fs (NM_001407587.1, NM_001407590.1, NM_001407591.1 and 22 more transcripts); c.1771del, p.Met591fs (NM_001407646.1, NM_001407647.1); c.1657del, p.Met553fs (NM_001407648.1, NM_001407664.1, NM_001407665.1 and 19 more transcripts); c.1654del, p.Met552fs (NM_001407649.1, NM_001407670.1, NM_001407671.1 and 11 more transcripts); c.1702del, p.Met568fs (NM_001407653.1, NM_001407654.1, NM_001407655.1 and 4 more transcripts); c.1699del, p.Met567fs (NM_001407659.1, NM_001407660.1, NM_001407661.1 and 1 more transcripts); and 40 more; short protein forms M547fs, M594fs, M506fs, M546fs, M553fs, M426fs, M466fs, M467fs.
Identifiers: ClinVar variation 431219 (VCV000431219.2), dbSNP rs1135401848, ClinGen allele CA645373194.